The following is an entry in ClinVar:

NM_001354604.2(MITF):c.415G>A (p.Val139Ile)

Gene: MITF (melanocyte inducing transcription factor; plus strand). Cytogenetic location: 3p13.
Variant type: single nucleotide variant.
Coding change: c.415G>A on transcript NM_001354604.2 (MANE Select); coding-DNA position 415, G replaced by A.
Protein change: p.Val139Ile; replaces valine 139 with isoleucine.
Molecular consequence: missense variant. On other transcripts: splice donor variant (1).
Genome position (GRCh38, 1-based): chr3:69,937,882, G>A. VCF-style: chr3-69937882-G-A. GRCh37 (hg19) VCF-style: chr3-69987033-G-A.
Other names: c.94G>A, p.Val32Ile (NM_000248.4, NM_001184968.2, NM_198158.3); c.259G>A, p.Val87Ile (NM_001184967.2, NM_001354608.2); c.412G>A, p.Val138Ile (NM_001354605.2, NM_001354606.2, NM_006722.3); c.364G>A, p.Val122Ile (NM_001354607.2); c.415G>A, p.Val139Ile (NM_198159.3); c.367G>A, p.Val123Ile (NM_198177.3); c.93+1G>A (NM_198178.3, NM_198178.2); short protein forms V122I, V123I, V138I, V139I, V32I, V87I.
Identifiers: ClinVar variation 1184722 (VCV001184722.9), dbSNP rs371031432, ClinGen allele CA2490355.

ClinVar aggregate classification (germline): Uncertain significance. Review status: criteria provided, multiple submitters, no conflicts (2 of 4 stars). 4 submissions from 4 submitters: Uncertain significance (3). 1 of the submissions does not count toward it. Last evaluated 2025-10-29.

Conditions:
MITF-related disorder. Also called: MITF-related condition.
Melanoma, cutaneous malignant, susceptibility to, 8. Also called: Cutaneous malignant melanoma 8; MELANOMA AND RENAL CELL CARCINOMA, SUSCEPTIBILITY TO. Identifiers: Orphanet 293822, MedGen C3152204, MONDO:0013759, OMIM 614456.
Tietz syndrome (TADS). Also called: ALBINISM-DEAFNESS OF TIETZ; HYPOPIGMENTATION/DEAFNESS OF TIETZ; TIETZ ALBINISM-DEAFNESS SYNDROME. Identifiers: Orphanet 42665, MedGen C0391816, MONDO:0007077, OMIM 103500.
Waardenburg syndrome type 2A (WS2A). Also called: WAARDENBURG SYNDROME WITHOUT DYSTOPIA CANTHORUM. Identifiers: Orphanet 3440, MedGen C1860339, MONDO:0008671, OMIM 193510.

Allele frequency attached by ClinVar (database versions not stated): gnomAD exomes 0.00001; ExAC 0.00002; gnomAD 0.00002 and 0.00003; TOPMed 0.00003; ESP Exome Variant Server 0.00008.
gnomAD v4.1: 19 of 1,613,944 alleles (0.0012%); highest among the groups gnomAD compares: African/African-American, 0.0027%; no homozygotes.

Submissions (4):

Labcorp Genetics (formerly Invitae), Labcorp
Classification: Uncertain significance for Melanoma, cutaneous malignant, susceptibility to, 8; Waardenburg syndrome type 2A; Tietz syndrome. Last evaluated: 2025-10-29. Review status: criteria provided, single submitter. Criteria: Invitae Variant Classification Sherloc (09022015). Collection method: clinical testing. Allele origin: germline.
Comment: This sequence change replaces valine, which is neutral and non-polar, with isoleucine, which is neutral and non-polar, at codon 32 of the MITF protein (p.Val32Ile). This variant is present in population databases (rs371031432, gnomAD 0.008%). This variant has not been reported in the literature in individuals affected with MITF-related conditions. ClinVar contains an entry for this variant (Variation ID: 1184722). Invitae Evidence Modeling of protein sequence and biophysical properties (such as structural, functional, and spatial information, amino acid conservation, physicochemical variation, residue mobility, and thermodynamic stability) has been performed for this missense variant. However, the output from this modeling did not meet the statistical confidence thresholds required to predict the impact of this variant on MITF protein function. In summary, the available evidence is currently insufficient to determine the role of this variant in disease. Therefore, it has been classified as a Variant of Uncertain Significance.

GeneDx
Classification: Uncertain significance. Last evaluated: 2022-07-27. Review status: criteria provided, single submitter. Criteria: GeneDx Variant Classification Process June 2021. Collection method: clinical testing. Allele origin: germline. Affected: yes.
Comment: In silico analysis supports that this missense variant does not alter protein structure/function; Has not been previously published as pathogenic or benign to our knowledge

St. Jude Molecular Pathology, St. Jude Children's Research Hospital
Classification: Uncertain significance for Melanoma, cutaneous malignant, susceptibility to, 8. Last evaluated: 2021-07-08. Review status: criteria provided, single submitter. Criteria: St. Jude Assertion Criteria 2020. Collection method: clinical testing. Allele origin: germline.
Comment: The MITF c.415G>A (p.Val139Ile) missense change has a maximum population frequency of 0.0080% in gnomAD v2.1.1 (PM2_Supporting). In silico tools are not in agreement about the effect of this variant on protein function, but to our knowledge these predictions have not been confirmed by functional assays. In summary, this variant meets criteria to be classified as of uncertain significance based on the ACMG/AMP criteria: PM2_Supporting.

PreventionGenetics, part of Exact Sciences
Classification: Uncertain significance for MITF-related condition. Last evaluated: 2024-06-17. Review status: no assertion criteria provided. Collection method: clinical testing. Allele origin: germline. Not counted in ClinVar's aggregate classification.
Comment: The MITF c.93+1G>A variant is predicted to disrupt the GT donor site and interfere with normal splicing. In an alternate transcript (NM_001354604.2), this variant is also known as c.415G>A (p.Val139Ile). To our knowledge, this variant has not been reported in the literature. This variant is reported in 0.0080% of alleles in individuals of African descent in gnomAD and is interpreted as uncertain in ClinVar. At this time, the clinical significance of this variant is uncertain due to the absence of conclusive functional and genetic evidence.